The following is an entry in ClinVar:

ClinVar aggregate classification (germline): Conflicting classifications of pathogenicity. Review status: criteria provided, conflicting classifications (1 of 4 stars). 3 submissions from 3 submitters: Uncertain significance (1); Likely benign (2). Last evaluated 2026-01-19.

Conditions:
Cardiovascular phenotype. Identifiers: MedGen CN230736.
Progressive familial heart block type IB (PFHB1B). Identifiers: Orphanet 871, MedGen C1970298, MONDO:0011474, OMIM 604559.

Allele frequency attached by ClinVar (database versions not stated): ExAC 0.00006; gnomAD exomes 0.00006; ESP Exome Variant Server 0.00015; TOPMed 0.00020; gnomAD 0.00022.
gnomAD v4.1: 76 of 1,613,796 alleles (0.0047%); highest among the groups gnomAD compares: African/African-American, 0.099%; no homozygotes.

Submissions (3):

Labcorp Genetics (formerly Invitae), Labcorp
Classification: Likely benign for Progressive familial heart block type IB. Last evaluated: 2026-01-19. Review status: criteria provided, single submitter. Criteria: Invitae Variant Classification Sherloc (09022015). Collection method: clinical testing. Allele origin: germline.

GeneDx
Classification: Uncertain significance. Last evaluated: 2025-03-26. Review status: criteria provided, single submitter. Criteria: GeneDx Variant Classification Process June 2021. Collection method: clinical testing. Allele origin: germline. Affected: yes.
Comment: Has not been previously published as pathogenic or benign to our knowledge; At the protein level, in silico analysis supports that this missense variant does not alter protein structure/function; In silico analysis is inconclusive as to whether the variant alters gene splicing. In the absence of RNA/functional studies, the actual effect of this sequence change is unknown.

Ambry Genetics
Classification: Likely benign for Cardiovascular phenotype. Last evaluated: 2020-11-25. Review status: criteria provided, single submitter. Criteria: Ambry Variant Classification Scheme 2023. Collection method: clinical testing. Allele origin: germline.

NM_017636.4(TRPM4):c.1119C>A (p.Phe373Leu)

Gene: TRPM4 (transient receptor potential cation channel subfamily M member 4; plus strand). Cytogenetic location: 19q13.33.
Variant type: single nucleotide variant.
Coding change: c.1119C>A on transcript NM_017636.4 (MANE Select); coding-DNA position 1119, C replaced by A.
Protein change: p.Phe373Leu; replaces phenylalanine 373 with leucine.
Molecular consequence: missense variant. On other transcripts: 5 prime UTR variant (1), intron variant (1).
Genome position (GRCh38, 1-based): chr19:49,172,077, C>A. VCF-style: chr19-49172077-C-A. GRCh37 (hg19) VCF-style: chr19-49675334-C-A.
Other names: c.1119C>A, p.Phe373Leu (NM_001195227.2); c.774C>A, p.Phe258Leu (NM_001321281.2); c.-435C>A (NM_001321282.2); c.597C>A, p.Phe199Leu (NM_001321283.2); c.201+308C>A (NM_001321285.2); short protein forms F373L, F199L, F258L.
Identifiers: ClinVar variation 264591 (VCV000264591.18), dbSNP rs141531245, ClinGen allele CA9569080.